The following is an entry in ClinVar:

NM_058216.3(RAD51C):c.535C>A (p.His179Asn)

Gene: RAD51C (RAD51 paralog C; plus strand). Cytogenetic location: 17q22.
Variant type: single nucleotide variant.
Coding change: c.535C>A on transcript NM_058216.3 (MANE Select); coding-DNA position 535, C replaced by A.
Protein change: p.His179Asn; replaces histidine 179 with asparagine.
Molecular consequence: missense variant.
Genome position (GRCh38, 1-based): chr17:58,696,823, C>A. VCF-style: chr17-58696823-C-A. GRCh37 (hg19) VCF-style: chr17-56774184-C-A.
Other names: short protein forms H179N.
Identifiers: ClinVar variation 2678165 (VCV002678165.5), dbSNP rs2143748793, ClinGen allele CA400345223.

ClinVar aggregate classification (germline): Uncertain significance. Review status: criteria provided, multiple submitters, no conflicts (2 of 4 stars). 3 submissions from 3 submitters: Uncertain significance (3). Last evaluated 2025-03-10.

Conditions:
Breast-ovarian cancer, familial, susceptibility to, 3. Also called: RAD51C-Related Breast/Ovarian Cancer. Identifiers: Orphanet 145, MedGen C3150659, MONDO:0013253, OMIM 613399.
Fanconi anemia complementation group O. Also called: RAD51C-Related Fanconi Anemia. Identifiers: Orphanet 84, MedGen C3150653, MONDO:0013248, OMIM 613390.
Hereditary cancer-predisposing syndrome. Also called: Tumor predisposition; Hereditary neoplastic syndrome; Neoplastic Syndromes, Hereditary; Hereditary Cancer Syndrome. Identifiers: Orphanet 140162, MedGen C0027672, MeSH D009386, MONDO:0015356.

Submissions (3):

Ambry Genetics
Classification: Uncertain significance for Hereditary cancer-predisposing syndrome. Last evaluated: 2025-03-10. Review status: criteria provided, single submitter. Criteria: Ambry Variant Classification Scheme 2023. Collection method: clinical testing. Allele origin: germline.
Comment: The p.H179N variant (also known as c.535C>A), located in coding exon 3 of the RAD51C gene, results from a C to A substitution at nucleotide position 535. The histidine at codon 179 is replaced by asparagine, an amino acid with similar properties. This amino acid position is conserved. In addition, the in silico prediction for this alteration is inconclusive. Based on the available evidence, the clinical significance of this variant remains unclear.

Labcorp Genetics (formerly Invitae), Labcorp
Classification: Uncertain significance for Fanconi anemia complementation group O. Last evaluated: 2024-01-27. Review status: criteria provided, single submitter. Criteria: Invitae Variant Classification Sherloc (09022015). Collection method: clinical testing. Allele origin: germline.
Comment: This sequence change replaces histidine, which is basic and polar, with asparagine, which is neutral and polar, at codon 179 of the RAD51C protein (p.His179Asn). This variant is not present in population databases (gnomAD no frequency). This variant has not been reported in the literature in individuals affected with RAD51C-related conditions. An algorithm developed to predict the effect of missense changes on protein structure and function (PolyPhen-2) suggests that this variant is likely to be disruptive. In summary, the available evidence is currently insufficient to determine the role of this variant in disease. Therefore, it has been classified as a Variant of Uncertain Significance.

Baylor Genetics
Classification: Uncertain significance for Breast-ovarian cancer, familial, susceptibility to, 3. Last evaluated: 2023-09-07. Review status: criteria provided, single submitter. Criteria: ACMG Guidelines, 2015. Collection method: clinical testing. Allele origin: unknown.